The following is an entry in ClinVar:

NM_001080517.3(SETD5):c.1457A>G (p.Glu486Gly)

Gene: SETD5 (SET domain containing 5; plus strand). Cytogenetic location: 3p25.3.
Variant type: single nucleotide variant.
Coding change: c.1457A>G on transcript NM_001080517.3 (MANE Select); coding-DNA position 1457, A replaced by G.
Protein change: p.Glu486Gly; replaces glutamic acid 486 with glycine.
Molecular consequence: missense variant.
Genome position (GRCh38, 1-based): chr3:9,445,673, A>G. VCF-style: chr3-9445673-A-G. GRCh37 (hg19) VCF-style: chr3-9487357-A-G.
Other names: c.1163A>G, p.Glu388Gly (NM_001292043.2, NM_001349451.2); short protein forms E388G, E486G.
Identifiers: ClinVar variation 1715365 (VCV001715365.5), dbSNP rs2472853333, ClinGen allele CA351694021.

ClinVar aggregate classification (germline): Uncertain significance (1 of 4 stars; one submission).

Allele frequency attached by ClinVar (database versions not stated): gnomAD exomes below 0.00001.
gnomAD v4.1: 1 of 1,613,660 alleles (0.000062%); highest among the groups gnomAD compares: Non-Finnish European, 0.000085%; no homozygotes.

Submission:

Labcorp Genetics (formerly Invitae), Labcorp
Classification: Uncertain significance. Last evaluated: 2023-11-28. Review status: criteria provided, single submitter. Criteria: Invitae Variant Classification Sherloc (09022015). Collection method: clinical testing. Allele origin: germline.
Comment: This sequence change replaces glutamic acid, which is acidic and polar, with glycine, which is neutral and non-polar, at codon 486 of the SETD5 protein (p.Glu486Gly). This variant is not present in population databases (gnomAD no frequency). This variant has not been reported in the literature in individuals affected with SETD5-related conditions. ClinVar contains an entry for this variant (Variation ID: 1715365). Advanced modeling of protein sequence and biophysical properties (such as structural, functional, and spatial information, amino acid conservation, physicochemical variation, residue mobility, and thermodynamic stability) performed at Invitae indicates that this missense variant is not expected to disrupt SETD5 protein function with a negative predictive value of 80%. In summary, the available evidence is currently insufficient to determine the role of this variant in disease. Therefore, it has been classified as a Variant of Uncertain Significance.